The following is an entry in ClinVar:

NM_001943.5(DSG2):c.3060G>T (p.Glu1020Asp)

Genes: DSG2 (desmoglein 2; plus strand), DSG2-AS1 (DSG2 antisense RNA 1; minus strand). Cytogenetic location: 18q12.1.
Variant type: single nucleotide variant.
Coding change: c.3060G>T on transcript NM_001943.5 (MANE Select); coding-DNA position 3060, G replaced by T.
Protein change: p.Glu1020Asp; replaces glutamic acid 1020 with aspartic acid.
Molecular consequence: missense variant.
Genome position (GRCh38, 1-based): chr18:31,546,446, G>T. VCF-style: chr18-31546446-G-T. GRCh37 (hg19) VCF-style: chr18-29126409-G-T.
Other names: short protein forms E1020D.
Identifiers: ClinVar variation 2856332 (VCV002856332.3), dbSNP rs2073311214, ClinGen allele CA402148192.
Genomic context (GRCh38, chr18:31,546,446, plus strand): 5'-TCCTCTGGAAGGCACTCAGCATCTTCAAGATGTACCTTACGTCATGGTGAGGGAAAGAGA[G>T]AGCTTCCTTGCCCCCAGCTCAGGTGTGCAGCCTACTCTGGCCATGCCTAATATAGCAGTA-3'
Protein context (NP_001934.2, residues 1010-1030): DVPYVMVRER[Glu1020Asp]SFLAPSSGVQ

ClinVar aggregate classification (germline): Uncertain significance (1 of 4 stars; one submission).

Conditions:
Arrhythmogenic right ventricular dysplasia 10. Also called: Arrhythmogenic Right Ventricular Dysplasia/Cardiomyopathy10; Arrhythmogenic right ventricular dysplasia/cardiomyopathy, type 10; ARRHYTHMOGENIC RIGHT VENTRICULAR DYSPLASIA, FAMILIAL, 10. Identifiers: MedGen C1857777, MONDO:0012434, OMIM 610193.

Submission:

Labcorp Genetics (formerly Invitae), Labcorp
Classification: Uncertain significance for Arrhythmogenic right ventricular dysplasia 10. Last evaluated: 2023-07-19. Review status: criteria provided, single submitter. Criteria: Invitae Variant Classification Sherloc (09022015). Collection method: clinical testing. Allele origin: germline.
Comment: In summary, the available evidence is currently insufficient to determine the role of this variant in disease. Therefore, it has been classified as a Variant of Uncertain Significance. Advanced modeling of protein sequence and biophysical properties (such as structural, functional, and spatial information, amino acid conservation, physicochemical variation, residue mobility, and thermodynamic stability) performed at Invitae indicates that this missense variant is not expected to disrupt DSG2 protein function. This variant is not present in population databases (gnomAD no frequency). This variant has not been reported in the literature in individuals affected with DSG2-related conditions. This sequence change replaces glutamic acid, which is acidic and polar, with aspartic acid, which is acidic and polar, at codon 1020 of the DSG2 protein (p.Glu1020Asp).